The following is an entry in ClinVar:

NM_015335.5(MED13L):c.2585A>C (p.Gln862Pro)

Gene: MED13L (mediator complex subunit 13L; minus strand). Cytogenetic location: 12q24.21.
Variant type: single nucleotide variant.
Coding change: c.2585A>C on transcript NM_015335.5 (MANE Select); coding-DNA position 2585, A replaced by C.
Protein change: p.Gln862Pro; replaces glutamine 862 with proline.
Molecular consequence: missense variant.
Genome position (GRCh38, 1-based): chr12:115,997,215, T>G on the plus strand (A>C on the coding strand, the complement: MED13L is on the minus strand). VCF-style: chr12-115997215-T-G. GRCh37 (hg19) VCF-style: chr12-116435020-T-G.
Other names: short protein forms Q862P.
Identifiers: ClinVar variation 2808936 (VCV002808936.3), dbSNP rs2499875443, ClinGen allele CA386890896.
Genomic context (GRCh38, chr12:115,997,215, plus strand): 5'-TTCATCACAGGAGAAAATGCAGGATGCTGTTCCAAAGATGGTGGAGTGGGAAACATCCTT[T>G]GCAAGTCTGCAACTGCTAAAAATAAGAAATAAAAAAAATTTGTTTAATAGGAAGGGCTTC-3'
Protein context (NP_056150.1, residues 852-872): VPYPPTVADL[Gln862Pro]RMFPTPPSLE

ClinVar aggregate classification (germline): Uncertain significance (1 of 4 stars; one submission).

Conditions:
Dextro-looped transposition of the great arteries. Also called: Dextrotransposition of the great arteries. Identifiers: Orphanet 860, MedGen C3531771, MONDO:0019443, OMIM 608808, HP:0031348.

Submission:

Labcorp Genetics (formerly Invitae), Labcorp
Classification: Uncertain significance for Dextro-looped transposition of the great arteries. Last evaluated: 2022-10-20. Review status: criteria provided, single submitter. Criteria: Invitae Variant Classification Sherloc (09022015). Collection method: clinical testing. Allele origin: germline.
Comment: In summary, the available evidence is currently insufficient to determine the role of this variant in disease. Therefore, it has been classified as a Variant of Uncertain Significance. Advanced modeling of protein sequence and biophysical properties (such as structural, functional, and spatial information, amino acid conservation, physicochemical variation, residue mobility, and thermodynamic stability) performed at Invitae indicates that this missense variant is expected to disrupt MED13L protein function. This variant has not been reported in the literature in individuals affected with MED13L-related conditions. This variant is not present in population databases (gnomAD no frequency). This sequence change replaces glutamine, which is neutral and polar, with proline, which is neutral and non-polar, at codon 862 of the MED13L protein (p.Gln862Pro).